The following is an entry in ClinVar:

NM_001278116.2(L1CAM):c.2152C>T (p.Pro718Ser)

Gene: L1CAM (L1 cell adhesion molecule; minus strand). Cytogenetic location: Xq28.
Variant type: single nucleotide variant.
Coding change: c.2152C>T on transcript NM_001278116.2 (MANE Select); coding-DNA position 2152, C replaced by T.
Protein change: p.Pro718Ser; replaces proline 718 with serine.
Molecular consequence: missense variant.
Genome position (GRCh38, 1-based): chrX:153,867,110, G>A on the plus strand (C>T on the coding strand, the complement: L1CAM is on the minus strand). VCF-style: chrX-153867110-G-A. GRCh37 (hg19) VCF-style: chrX-153132565-G-A.
Other names: c.2152C>T, p.Pro718Ser (NM_000425.5, NM_024003.3); c.2137C>T, p.Pro713Ser (NM_001143963.2); short protein forms P713S, P718S.
Identifiers: ClinVar variation 4887949 (VCV004887949.1).

ClinVar aggregate classification (germline): Uncertain significance (1 of 4 stars; one submission).

Submission:

GeneDx
Classification: Uncertain significance. Last evaluated: 2026-06-29. Review status: criteria provided, single submitter. Criteria: GeneDx Variant Classification Process June 2021. Collection method: clinical testing. Allele origin: germline.
Comment: Not observed at significant frequency in large population cohorts (gnomAD); In silico analysis supports that this missense variant has a deleterious effect on protein structure/function; Has not been previously published as pathogenic or benign to our knowledge; This variant is associated with the following publications: (PMID: 25641508)